The following is an entry in ClinVar:

ClinVar aggregate classification (germline): Uncertain significance (1 of 4 stars; one submission).

Submission:

GeneDx
Classification: Uncertain significance. Last evaluated: 2025-06-04. Review status: criteria provided, single submitter. Criteria: GeneDx Variant Classification Process June 2021. Collection method: clinical testing. Allele origin: germline. Affected: yes.
Comment: Not observed at significant frequency in large population cohorts (gnomAD); In silico analysis supports a deleterious effect on protein structure/function; Has not been previously published as pathogenic or benign to our knowledge; A different missense change at this residue (p.S146F) has been reported in the published literature (Oliveira et al., 2018)

NM_000426.4(LAMA2):c.436_437delinsAA (p.Ser146Asn)

Gene: LAMA2 (laminin subunit alpha 2; plus strand). Cytogenetic location: 6q22.33.
Variant type: Indel.
Coding change: c.436_437delinsAA on transcript NM_000426.4 (MANE Select); coding-DNA positions 436 to 437, TC replaced by AA.
Protein change: p.Ser146Asn; replaces serine 146 with asparagine.
Molecular consequence: missense variant.
Genome position (GRCh38, 1-based): chr6:129,098,212-129,098,213, TC replaced by AA. VCF-style: chr6-129098212-TC-AA. GRCh37 (hg19) VCF-style: chr6-129419357-TC-AA.
Other names: c.436_437delTCinsAA, p.Ser146Asn (NM_000426.3); c.436_437delinsAA, p.Ser146Asn (NM_001079823.2); short protein forms S146N.
Identifiers: ClinVar variation 2579427 (VCV002579427.2), dbSNP rs2482427539, ClinGen allele CA2580617876.
Genomic context (GRCh38, chr6:129,098,212, plus strand): 5'-GTTGTTGTTATACTTCCCTAGGTGTTCCAGATCGCGTATGTGATTGTGAAGGCAGCTAAC[TC>AA]CCCCCGGCCTGGAAACTGGATTTTGGAACGCTCTCTTGATGATGTTGAATACAAGCCCTG-3'
Protein context (NP_000417.3, residues 136-156): IAYVIVKAAN[Ser146Asn]PRPGNWILER